The following is an entry in ClinVar:

NM_203447.4(DOCK8):c.2727G>C (p.Ala909=)

Gene: DOCK8 (dedicator of cytokinesis 8; plus strand). Cytogenetic location: 9p24.3.
Variant type: single nucleotide variant.
Coding change: c.2727G>C on transcript NM_203447.4 (MANE Select); coding-DNA position 2727, G replaced by C.
Protein change: p.Ala909=; no amino-acid change (alanine 909 retained).
Molecular consequence: synonymous variant.
Genome position (GRCh38, 1-based): chr9:382,634, G>C. VCF-style: chr9-382634-G-C. GRCh37 (hg19) VCF-style: chr9-382634-G-C.
Other names: p.Ala909=; c.2523G>C, p.Ala841= (NM_001190458.2, NM_001193536.2).
Identifiers: ClinVar variation 4683372 (VCV004683372.1).
Genomic context (GRCh38, chr9:382,634, plus strand): 5'-TGCTGTGAGTTCAAAGCTGCTGCAGGCCCGGGTGATGAGCAGCAGTAACCCAGACCTCGC[G>C]GGGACACACTCCGCAGCAGACGAGGAAGTGAAGAACATCATGTCTTCAAAGGTAGGAAAG-3'
Protein context (NP_982272.2, residues 899-919): RVMSSSNPDL[Ala909=]GTHSAADEEV

ClinVar aggregate classification (germline): Likely benign (1 of 4 stars; one submission).

gnomAD v4.1: 1 of 1,613,980 alleles (0.000062%); highest among the groups gnomAD compares: African/African-American, 0.0013%; no homozygotes.

Submission:

Mayo Clinic Laboratories, Mayo Clinic
Classification: Likely benign. Last evaluated: 2025-09-24. Review status: criteria provided, single submitter. Criteria: ACMG Guidelines, 2015. Collection method: clinical testing. Allele origin: germline. Observed: 1 variant allele.
Comment: BP4, BP7, PM2_supporting